The following is an entry in ClinVar:

ClinVar aggregate classification (germline): Uncertain significance (1 of 4 stars; one submission).

Submission:

Labcorp Genetics (formerly Invitae), Labcorp
Classification: Uncertain significance. Last evaluated: 2025-02-17. Review status: criteria provided, single submitter. Criteria: Invitae Variant Classification Sherloc (09022015). Collection method: clinical testing. Allele origin: germline.
Comment: This variant, c.972_977del, results in the deletion of 2 amino acid(s) of the SAMD9L protein (p.Met325_Gln326del), but otherwise preserves the integrity of the reading frame. This variant is not present in population databases (gnomAD no frequency). This variant has not been reported in the literature in individuals affected with SAMD9L-related conditions. ClinVar contains an entry for this variant (Variation ID: 2812661). Experimental studies and prediction algorithms are not available or were not evaluated, and the functional significance of this variant is currently unknown. In summary, the available evidence is currently insufficient to determine the role of this variant in disease. Therefore, it has been classified as a Variant of Uncertain Significance.

NM_152703.5(SAMD9L):c.972_977del (p.Met325_Gln326del)

Gene: SAMD9L (sterile alpha motif domain containing 9 like; minus strand). Cytogenetic location: 7q21.2.
Variant type: Deletion.
Coding change: c.972_977del on transcript NM_152703.5 (MANE Select); coding-DNA positions 972 to 977, 6 bases deleted (GATGCA; older notation c.972_977delGATGCA).
Protein change: p.Met325_Gln326del.
Molecular consequence: inframe deletion.
Genome position (GRCh38, 1-based): chr7:93,134,995-93,135,000, TGCATC deleted on the plus strand (GATGCA on the coding strand, the reverse complement: SAMD9L is on the minus strand); deleting any 6 consecutive bases within chr7:93,134,995-93,135,002 gives the same sequence; the c. name uses the placement nearest the transcript's 3' end. VCF-style (leftmost placement, unchanged base first): chr7-93134994-TTGCATC-T. GRCh37 (hg19) VCF-style: chr7-92764307-TTGCATC-T.
Other names: c.972_977del, p.Met325_Gln326del (NM_001303496.3, NM_001303497.3, NM_001303498.3 and 5 more transcripts).
Identifiers: ClinVar variation 2812661 (VCV002812661.3), dbSNP rs2535432421, ClinGen allele CA2578939322.